The following is an entry in ClinVar:

ClinVar aggregate classification (germline): Conflicting classifications of pathogenicity. Review status: criteria provided, conflicting classifications (1 of 4 stars). 9 submissions from 9 submitters: Uncertain significance (7); Likely benign (1). 1 of the submissions does not count toward it. Last evaluated 2026-08-10.

Conditions:
KCNE1-related disorder. Also called: KCNE1-related condition.
Cardiovascular phenotype. Identifiers: MedGen CN230736.
Familial long QT syndrome (RWS). Also called: Congenital long QT syndrome; VENTRICULAR FIBRILLATION WITH PROLONGED QT INTERVAL; Romano-Ward syndrome. Identifiers: Orphanet 768, MedGen C1141890, MONDO:0019171.
Long QT syndrome (LQTS). Identifiers: MedGen C0023976, MeSH D008133, MONDO:0002442. Disease mechanism: loss of function. Inheritance: Various modes of inheritance.

Allele frequency attached by ClinVar (database versions not stated): gnomAD 0.00003; ExAC 0.00009; gnomAD exomes 0.00014; 1000 Genomes Project 0.00040.

Submissions (10):

PreventionGenetics, part of Exact Sciences
Classification: Uncertain significance for KCNE1-related condition. Last evaluated: 2026-08-10. Review status: criteria provided, single submitter. Criteria: ACMG Guidelines, 2015. Collection method: clinical testing. Allele origin: germline.
Comment: The KCNE1 c.107G>A variant is predicted to result in the amino acid substitution p.Arg36His. This variant has been reported in the heterozygous state in individuals with clinically diagnosed or suspected long QT syndrome (eTable 1, Napolitano et al. 2005. PubMed ID: 16414944; Lane et al. 2018. PubMed ID: 29625280; Rajan et al. 2021. PubMed ID: 34667425). However, this variant failed to segregate with disease in a family with autosomal dominant hearing loss found to be caused by a pathogenic variant in another gene (Chen et al. 2016. PubMed ID: 27965898). In vitro experimental studies have suggested that in the heterozygous state this variant results in a partial loss of potassium channel function (Lane et al. 2018. PubMed ID: 29625280; Supplemental Data, Muhammad et al. 2024. PubMed ID: 38816749). This variant has been reported in 0.014% of alleles in gnomAD v2, including one homozygote. At this time, the clinical significance of this variant is uncertain due to the absence of conclusive functional and genetic evidence.

GeneDx
Classification: Uncertain significance. Last evaluated: 2026-01-30. Review status: criteria provided, single submitter. Criteria: GeneDx Variant Classification Process June 2021. Collection method: clinical testing. Allele origin: germline. Affected: yes.
Comment: Identified in association with LQTS and non-syndromic deafness in published literature (PMID: 34667425, 27965898, 29625280, 16414944); Published functional studies in cultured cells showed that, in the heterozygous state, p.(R36H) reduces the slow delayed rectifier potassium current density (Iks), supporting that this variant may have a loss of function effect (PMID: 29625280); In silico analysis suggests that this missense variant does not alter protein structure/function; This variant is associated with the following publications: (PMID: 30461122, 24710009, 28988457, 29625280, 17341399, 27965898, 34426522, 34667425, 16414944)

Labcorp Genetics (formerly Invitae), Labcorp
Classification: Likely benign for Long QT syndrome. Last evaluated: 2026-01-26. Review status: criteria provided, single submitter. Criteria: Invitae Variant Classification Sherloc (09022015). Collection method: clinical testing. Allele origin: germline.

Ambry Genetics
Classification: Uncertain significance for Cardiovascular phenotype. Last evaluated: 2024-12-18. Review status: criteria provided, single submitter. Criteria: Ambry Variant Classification Scheme 2023. Collection method: clinical testing. Allele origin: germline.

Women's Health and Genetics/Laboratory Corporation of America, LabCorp
Classification: Uncertain significance. Last evaluated: 2024-10-28. Review status: criteria provided, single submitter. Criteria: LabCorp Variant Classification Summary - May 2015. Collection method: clinical testing. Allele origin: germline.
Comment: Variant summary: KCNE1 c.107G>A (p.Arg36His) results in a non-conservative amino acid change in the encoded protein sequence. Four of five in-silico tools predict a benign effect of the variant on protein function. The variant allele was found at a frequency of 0.00014 in 251362 control chromosomes in the gnomAD database, including 1 homozygotes. The observed variant frequency is approximately 65 fold of the estimated maximal expected allele frequency for a pathogenic variant in KCNE1 causing Long QT Syndrome phenotype (2.1e-06). c.107G>A has been reported in the literature in individuals affected with Long QT Syndrome (Napolitano_2005, Lane_2018). These report(s) do not provide unequivocal conclusions about association of the variant with Long QT Syndrome. At least one publication reports experimental evidence evaluating an impact on protein function, suggesting that the variant results in a mild reduction in IKv7.1 current density in vitro (Lane_2018). The following publications have been ascertained in the context of this evaluation (PMID: 29625280, 16414944, 32451364). ClinVar contains an entry for this variant (Variation ID: 132650). Based on the evidence outlined above, the variant was classified as VUS-possibly benign.

Laboratory for Molecular Medicine, Mass General Brigham Personalized Medicine
Classification: Uncertain significance. Last evaluated: 2019-01-31. Review status: criteria provided, single submitter. Criteria: LMM Criteria. Collection method: clinical testing. Allele origin: germline. Observed: 3 variant alleles.
Comment: Variant classified as Uncertain Significance - Favor Pathogenic. It has also been identified in 11/121094 of the total chromosomes across several populations by the Exome Aggregation Consortium (ExAC; dbSNP rs199473351). Computational prediction tools and conservation analysis suggest that the p.Arg36His variant may not impact the protein, though this information is not predictive enough to rule out pathogenicity. In summary, the clinical significance of the p.Arg36His variant is uncertain. ACMG/AMP criteria applied: PM2_Supporting, BP4.

CSER _CC_NCGL, University of Washington
Classification: Uncertain significance for Long QT syndrome. Last evaluated: 2016-10-01. Review status: criteria provided, single submitter. Criteria: Amendola et al. (Genome Res. 2015). Collection method: research. Allele origin: germline. Affected: no. Study: CSER - NEXT Medicine variant annotation.
Comment: This interpretation considers GERP score and allele frequency data, in addition to published reports of the variant in the literature, available at the time of review.

CeGaT Center for Human Genetics Tuebingen
Classification: Uncertain significance. Last evaluated: 2016-10-01. Review status: criteria provided, single submitter. Criteria: CeGaT Center For Human Genetics Tuebingen Variant Classification Criteria Version 2. Collection method: clinical testing. Allele origin: germline. Affected: yes. Observed: 1 variant allele.

Cardiovascular Biomedical Research Unit, Royal Brompton & Harefield NHS Foundation Trust
No classification provided. Condition: Familial long QT syndrome. Review status: no classification provided. Collection method: literature only. Allele origin: germline. Not counted in ClinVar's aggregate classification.
Comment: This variant has been reported as associated with Long QT syndrome in the following publications (PMID:16414944). This is a literature report, and does not necessarily reflect the clinical interpretation of the Imperial College / Royal Brompton Cardiovascular Genetics laboratory.

Roden Lab, Vanderbilt University Medical Center
No classification provided (evidence only). Condition: Long QT syndrome 5. Review status: no classification provided. Collection method: in vitro. Allele origin: not applicable. Functional consequence: Effect on ion channel function. Not counted in ClinVar's aggregate classification.
ClinVar note: "not provided" was previously submitted as the classification for the variant. However, the classification appeared to be based only on an observation of functional data so it was converted to no classification on 2025-07-30.

Literature cited by the submitters: PubMed 16414944 (cited by 3 submitters); PubMed 29625280 (cited by Women's Health and Genetics/Laboratory Corporation of America, LabCorp); PubMed 32451364 (cited by Women's Health and Genetics/Laboratory Corporation of America, LabCorp); PubMed 22581653 (cited by Cardiovascular Biomedical Research Unit, Royal Brompton & Harefield NHS Foundation Trust).

NM_000219.6(KCNE1):c.107G>A (p.Arg36His)

Gene: KCNE1 (potassium voltage-gated channel subfamily E regulatory subunit 1; minus strand). Cytogenetic location: 21q22.12.
Variant type: single nucleotide variant.
Coding change: c.107G>A on transcript NM_000219.6 (MANE Select); coding-DNA position 107, G replaced by A.
Protein change: p.Arg36His; replaces arginine 36 with histidine.
Molecular consequence: missense variant.
Genome position (GRCh38, 1-based): chr21:34,449,528, C>T on the plus strand (G>A on the coding strand, the complement: KCNE1 is on the minus strand). VCF-style: chr21-34449528-C-T. GRCh37 (hg19) VCF-style: chr21-35821826-C-T.
Other names: c.107G>A, p.Arg36His (NM_001127668.4, NM_001127669.4, NM_001127670.4 and 4 more transcripts); c.107G>A (LRG_290t1); short protein forms R36H.
Identifiers: ClinVar variation 132650 (VCV000132650.70), dbSNP rs199473351, ClinGen allele CA331911.